The following is an entry in ClinVar:

ClinVar aggregate classification (germline): Conflicting classifications of pathogenicity. Review status: criteria provided, conflicting classifications (1 of 4 stars). 10 submissions from 10 submitters: Uncertain significance (1); Likely benign (9). Last evaluated 2026-03-27.

Conditions:
Ehlers-Danlos syndrome (EDS). Identifiers: Orphanet 98249, MedGen C0013720, MONDO:0020066.
Familial thoracic aortic aneurysm and aortic dissection (TAAD). Also called: Thoracic aortic aneurysms and dissections. Identifiers: Orphanet 91387, MedGen C4707243, MONDO:0019625.
Ehlers-Danlos syndrome, kyphoscoliotic type 1 (EDSKSCL1). Also called: PLOD1-Related Kyphoscoliotic Ehlers-Danlos Syndrome; EHLERS-DANLOS SYNDROME, TYPE VIA; EHLERS-DANLOS SYNDROME, OCULAR-SCOLIOTIC TYPE; Ehlers-Danlos syndrome, hydroxylysine-deficient. Identifiers: Orphanet 1900, MedGen C0268342, MONDO:0016002, OMIM 225400. Disease mechanism: loss of function.

Allele frequency attached by ClinVar (database versions not stated): ESP Exome Variant Server 0.00015; gnomAD exomes 0.00016 and 0.00021; gnomAD 0.00017 and 0.00018; TOPMed 0.00020; ExAC 0.00033.
gnomAD v4.1: 335 of 1,605,086 alleles (0.021%); highest among the groups gnomAD compares: Non-Finnish European, 0.025%; no homozygotes.

Submissions (10):

Molecular Diagnostic Laboratory for Inherited Cardiovascular Disease, Montreal Heart Institute
Classification: Likely benign. Last evaluated: 2026-03-27. Review status: criteria provided, single submitter. Criteria: ACMG Guidelines, 2015. Collection method: clinical testing. Allele origin: germline. Affected: no.
Comment: BS1;BP7

Labcorp Genetics (formerly Invitae), Labcorp
Classification: Likely benign for Ehlers-Danlos syndrome, kyphoscoliotic type 1. Last evaluated: 2026-02-01. Review status: criteria provided, single submitter. Criteria: Invitae Variant Classification Sherloc (09022015). Collection method: clinical testing. Allele origin: germline.

Women's Health and Genetics/Laboratory Corporation of America, LabCorp
Classification: Likely benign. Last evaluated: 2025-06-23. Review status: criteria provided, single submitter. Criteria: LabCorp Variant Classification Summary - May 2015. Collection method: clinical testing. Allele origin: germline.

Blueprint Genetics
Classification: Likely benign. Last evaluated: 2024-11-23. Review status: criteria provided, single submitter. Criteria: ACMG Guidelines, 2015. Collection method: clinical testing. Allele origin: germline.

CeGaT Center for Human Genetics Tuebingen
Classification: Likely benign. Last evaluated: 2024-11-01. Review status: criteria provided, single submitter. Criteria: CeGaT Center For Human Genetics Tuebingen Variant Classification Criteria Version 2. Collection method: clinical testing. Allele origin: germline. Affected: yes. Observed: 2 variant alleles.
Comment: PLOD1: BP4, BP7

ARUP Laboratories, Molecular Genetics and Genomics, ARUP Laboratories
Classification: Likely benign for Ehlers-Danlos syndrome, kyphoscoliotic type 1. Last evaluated: 2023-10-20. Review status: criteria provided, single submitter. Criteria: ARUP Molecular Germline Variant Investigation Process 2024. Collection method: clinical testing. Allele origin: germline.

GeneDx
Classification: Likely benign. Last evaluated: 2020-12-28. Review status: criteria provided, single submitter. Criteria: GeneDx Variant Classification Process June 2021. Collection method: clinical testing. Allele origin: germline. Affected: yes.

Genome Diagnostics Laboratory, The Hospital for Sick Children
Classification: Uncertain significance for Ehlers-Danlos syndrome. Last evaluated: 2018-12-01. Review status: criteria provided, single submitter. Criteria: ACMG Guidelines, 2015. Collection method: clinical testing. Allele origin: germline.

Ambry Genetics
Classification: Likely benign for Familial thoracic aortic aneurysm and aortic dissection. Last evaluated: 2015-06-29. Review status: criteria provided, single submitter. Criteria: Ambry Variant Classification Scheme 2023. Collection method: clinical testing. Allele origin: germline.

Breakthrough Genomics
Classification: Likely benign. Review status: criteria provided, single submitter. Criteria: ACMG Guidelines, 2015. Collection method: not provided. Allele origin: germline. Inheritance: Autosomal recessive inheritance. Affected: yes.

NM_000302.4(PLOD1):c.1140C>T (p.Ser380=)

Gene: PLOD1 (procollagen-lysine,2-oxoglutarate 5-dioxygenase 1; plus strand). Cytogenetic location: 1p36.22.
Variant type: single nucleotide variant.
Coding change: c.1140C>T on transcript NM_000302.4 (MANE Select); coding-DNA position 1140, C replaced by T.
Protein change: p.Ser380=; no amino-acid change (serine 380 retained).
Molecular consequence: synonymous variant.
Genome position (GRCh38, 1-based): chr1:11,963,574, C>T. VCF-style: chr1-11963574-C-T. GRCh37 (hg19) VCF-style: chr1-12023631-C-T.
Other names: c.1281C>T, p.Ser427= (NM_001316320.2).
Identifiers: ClinVar variation 264103 (VCV000264103.48), dbSNP rs200131516, ClinGen allele CA598299.